The following is an entry in ClinVar:

NM_005842.4(SPRY2):c.362G>C (p.Ser121Thr)

Gene: SPRY2 (sprouty RTK signaling antagonist 2; minus strand). Cytogenetic location: 13q31.1.
Variant type: single nucleotide variant.
Coding change: c.362G>C on transcript NM_005842.4 (MANE Select); coding-DNA position 362, G replaced by C.
Protein change: p.Ser121Thr; replaces serine 121 with threonine.
Molecular consequence: missense variant.
Genome position (GRCh38, 1-based): chr13:80,337,344, C>G on the plus strand (G>C on the coding strand, the complement: SPRY2 is on the minus strand). VCF-style: chr13-80337344-C-G. GRCh37 (hg19) VCF-style: chr13-80911479-C-G.
Other names: c.362G>C, p.Ser121Thr (NM_001318536.1, NM_001318537.1, NM_001318538.1); short protein forms S121T.
Identifiers: ClinVar variation 3346310 (VCV003346310.1).

ClinVar aggregate classification (germline): Uncertain significance (0 of 4 stars; one submission).

Conditions:
SPRY2-related disorder. Also called: SPRY2-related condition.

Submission:

PreventionGenetics, part of Exact Sciences
Classification: Uncertain significance for SPRY2-related condition. Last evaluated: 2024-08-21. Review status: no assertion criteria provided. Collection method: clinical testing. Allele origin: germline.
Comment: The SPRY2 c.362G>C variant is predicted to result in the amino acid substitution p.Ser121Thr. To our knowledge, this variant has not been reported in the literature. This variant is reported in 0.00088% of alleles in individuals of European (Non-Finnish) descent in gnomAD. At this time, the clinical significance of this variant is uncertain due to the absence of conclusive functional and genetic evidence.